The following is an entry in ClinVar:

NM_203447.4(DOCK8):c.2798G>C (p.Ser933Thr)

Gene: DOCK8 (dedicator of cytokinesis 8; plus strand). Cytogenetic location: 9p24.3.
Variant type: single nucleotide variant.
Coding change: c.2798G>C on transcript NM_203447.4 (MANE Select); coding-DNA position 2798, G replaced by C.
Protein change: p.Ser933Thr; replaces serine 933 with threonine.
Molecular consequence: missense variant. On other transcripts: intron variant (1).
Genome position (GRCh38, 1-based): chr9:386,350, G>C. VCF-style: chr9-386350-G-C. GRCh37 (hg19) VCF-style: chr9-386350-G-C.
Other names: c.2594G>C, p.Ser865Thr (NM_001193536.2); c.2574+3665G>C (NM_001190458.2); short protein forms S865T, S933T.
Identifiers: ClinVar variation 2845152 (VCV002845152.3), dbSNP rs1051161621, ClinGen allele CA372765526.

ClinVar aggregate classification (germline): Uncertain significance (1 of 4 stars; one submission).

Conditions:
Combined immunodeficiency due to DOCK8 deficiency (HIES2). Also called: HIES autosomal recessive; Hyper-IgE recurrent infection syndrome, autosomal recessive; HYPER-IgE RECURRENT INFECTION SYNDROME 2, AUTOSOMAL RECESSIVE; HYPER-IgE SYNDROME 2, AUTOSOMAL RECESSIVE, WITH RECURRENT INFECTIONS; DOCK8 Deficiency. Identifiers: Orphanet 217390, MedGen C4722305, MONDO:0009478, OMIM 243700.

Submission:

Labcorp Genetics (formerly Invitae), Labcorp
Classification: Uncertain significance for Combined immunodeficiency due to DOCK8 deficiency. Last evaluated: 2023-03-17. Review status: criteria provided, single submitter. Criteria: Invitae Variant Classification Sherloc (09022015). Collection method: clinical testing. Allele origin: germline.
Comment: This sequence change replaces serine, which is neutral and polar, with threonine, which is neutral and polar, at codon 933 of the DOCK8 protein (p.Ser933Thr). This variant is not present in population databases (gnomAD no frequency). This variant has not been reported in the literature in individuals affected with DOCK8-related conditions. In summary, the available evidence is currently insufficient to determine the role of this variant in disease. Therefore, it has been classified as a Variant of Uncertain Significance. An algorithm developed to predict the effect of missense changes on protein structure and function (PolyPhen-2) suggests that this variant is likely to be tolerated.